The following is an entry in ClinVar:

NM_144997.7(FLCN):c.246C>T (p.Cys82=)

Gene: FLCN (folliculin; minus strand). Cytogenetic location: 17p11.2.
Variant type: single nucleotide variant.
Coding change: c.246C>T on transcript NM_144997.7 (MANE Select); coding-DNA position 246, C replaced by T.
Protein change: p.Cys82=; no amino-acid change (cysteine 82 retained).
Molecular consequence: synonymous variant.
Genome position (GRCh38, 1-based): chr17:17,227,892, G>A on the plus strand (C>T on the coding strand, the complement: FLCN is on the minus strand). VCF-style: chr17-17227892-G-A. GRCh37 (hg19) VCF-style: chr17-17131206-G-A.
Other names: c.246C>T (LRG_325t1, NM_144997.6); c.246C>T, p.Cys82= (NM_001353229.2, NM_001353230.2, NM_001353231.2 and 1 more transcripts).
Identifiers: ClinVar variation 184250 (VCV000184250.70), dbSNP rs150712346, ClinGen allele CA188367.

ClinVar aggregate classification (germline): Conflicting classifications of pathogenicity. Review status: criteria provided, conflicting classifications (1 of 4 stars). 14 submissions from 14 submitters: Uncertain significance (1); Benign (3); Likely benign (7). 3 of the submissions do not count toward it. Last evaluated 2026-02-03.

Conditions:
Birt-Hogg-Dube syndrome 1 (BHD1). Also called: FIBROFOLLICULOMAS WITH TRICHODISCOMAS AND ACROCHORDONS. Identifiers: Orphanet 122, MedGen CN375946, MONDO:0800445, OMIM 135150.
FLCN-related disorder. Also called: FLCN-related condition.
Hereditary cancer-predisposing syndrome. Also called: Tumor predisposition; Neoplastic Syndromes, Hereditary; Hereditary Cancer Syndrome; Hereditary neoplastic syndrome. Identifiers: Orphanet 140162, MedGen C0027672, MeSH D009386, MONDO:0015356.
Birt-Hogg-Dube syndrome. Also called: Birt Hogg Dubé syndrome. Identifiers: Orphanet 122, MedGen C0346010, MONDO:0800444.

Allele frequency attached by ClinVar (database versions not stated): ESP Exome Variant Server 0.00015; ExAC 0.00016; gnomAD exomes 0.00020; TOPMed 0.00021.
gnomAD v4.1: 755 of 1,614,066 alleles (0.047%); highest among the groups gnomAD compares: Non-Finnish European, 0.058%; no homozygotes.

Submissions (14):

Labcorp Genetics (formerly Invitae), Labcorp
Classification: Likely benign for Birt-Hogg-Dube syndrome. Last evaluated: 2026-02-03. Review status: criteria provided, single submitter. Criteria: Invitae Variant Classification Sherloc (09022015). Collection method: clinical testing. Allele origin: germline.

Center for Genomic Medicine, Rigshospitalet, Copenhagen University Hospital
Classification: Likely benign. Last evaluated: 2025-03-04. Review status: criteria provided, single submitter. Criteria: ACMG Guidelines, 2015. Collection method: clinical testing. Allele origin: germline.

KCCC/NGS Laboratory, Kuwait Cancer Control Center
Classification: Benign for Birt-Hogg-Dube syndrome 1. Last evaluated: 2025-02-01. Review status: criteria provided, single submitter. Criteria: ACMG Guidelines, 2015. Collection method: clinical testing. Allele origin: germline. Affected: no.

Blueprint Genetics
Classification: Likely benign. Last evaluated: 2024-10-28. Review status: criteria provided, single submitter. Criteria: ACMG Guidelines, 2015. Collection method: clinical testing. Allele origin: germline.

Myriad Genetics, Inc.
Classification: Benign for Birt-Hogg-Dube syndrome 1. Last evaluated: 2024-10-22. Review status: criteria provided, single submitter. Criteria: Myriad Autosomal Dominant, Autosomal Recessive and X-Linked Classification Criteria (2023). Collection method: clinical testing. Allele origin: unknown.
Comment: This variant is considered benign. This variant is a silent/synonymous amino acid change and it is not expected to impact splicing.

CeGaT Center for Human Genetics Tuebingen
Classification: Likely benign. Last evaluated: 2024-07-01. Review status: criteria provided, single submitter. Criteria: CeGaT Center For Human Genetics Tuebingen Variant Classification Criteria Version 2. Collection method: clinical testing. Allele origin: germline. Affected: yes. Observed: 3 variant alleles.
Comment: FLCN: BP4, BP7

Women's Health and Genetics/Laboratory Corporation of America, LabCorp
Classification: Benign. Last evaluated: 2022-05-12. Review status: criteria provided, single submitter. Criteria: LabCorp Variant Classification Summary - May 2015. Collection method: clinical testing. Allele origin: germline.

Sema4
Classification: Uncertain significance for Hereditary cancer-predisposing syndrome. Last evaluated: 2021-10-08. Review status: criteria provided, single submitter. Criteria: Sema4 Curation Guidelines. Collection method: curation. Allele origin: germline.
Comment: The FLCN c.246C>T (p.C82=) variant has not been reported in literature to our knowledge. This variant was observed in 17/30616 chromosomes in the South Asian population according to the Genome Aggregation Database (PMID: PMID: 32461654). This variant has been reported in ClinVar (Variation ID 184250). In silico tools suggest the variant may potentially have an impact on splicing, though these predictions have not been confirmed by functional studies. The overall evidence is insufficient to meet ACMG/AMP criteria for classifying it as benign or pathogenic. In summary, the clinical significance of this variant is currently uncertain.

GeneDx
Classification: Likely benign. Last evaluated: 2020-10-08. Review status: criteria provided, single submitter. Criteria: GeneDx Variant Classification Process June 2021. Collection method: clinical testing. Allele origin: germline. Affected: yes.

ARUP Laboratories, Molecular Genetics and Genomics, ARUP Laboratories
Classification: Likely benign. Last evaluated: 2017-09-16. Review status: criteria provided, single submitter. Criteria: ARUP Molecular Germline Variant Investigation Process. Collection method: clinical testing. Allele origin: germline.
Comment: The c.246C>T; p.Cys82Cys variant (rs150712346) does not alter the amino acid sequence of the FLCN protein and computational splice site prediction algorithms do not predict a change in the nearest splice site or creation of a cryptic splice site (Alamut v2.9.0). This variant has not been reported in association with any hereditary cancer syndromes in the medical literature or in gene specific variation databases. This variant is listed in the Genome Aggregation Database (gnomAD) with an overall population frequency of 0.02 percent (identified on 56 out of 276,584 chromosomes). Based on these observations, the p.Cys82Cys variant is likely to be benign.

Ambry Genetics
Classification: Likely benign for Hereditary cancer-predisposing syndrome. Last evaluated: 2015-02-06. Review status: criteria provided, single submitter. Criteria: Ambry Variant Classification Scheme 2023. Collection method: clinical testing. Allele origin: germline.

PreventionGenetics, part of Exact Sciences
Classification: Likely benign for FLCN-related condition. Last evaluated: 2019-07-17. Review status: no assertion criteria provided. Collection method: clinical testing. Allele origin: germline. Not counted in ClinVar's aggregate classification.
Comment: This variant is classified as likely benign based on ACMG/AMP sequence variant interpretation guidelines (Richards et al. 2015 PMID: 25741868, with internal and published modifications).

Clinical Genetics DNA and cytogenetics Diagnostics Lab, Erasmus MC, Erasmus Medical Center
Classification: Likely benign. Review status: no assertion criteria provided. Collection method: clinical testing. Allele origin: germline. Affected: yes. Study: VKGL Data-share Consensus. Not counted in ClinVar's aggregate classification.

Joint Genome Diagnostic Labs from Nijmegen and Maastricht, Radboudumc and MUMC+
Classification: Likely benign. Review status: no assertion criteria provided. Collection method: clinical testing. Allele origin: germline. Affected: yes. Study: VKGL Data-share Consensus. Not counted in ClinVar's aggregate classification.